The following is an entry in ClinVar:

NM_000273.3(GPR143):c.321C>A (p.His107Gln)

Gene: GPR143 (G protein-coupled receptor 143; minus strand). Cytogenetic location: Xp22.2.
Variant type: single nucleotide variant.
Coding change: c.321C>A on transcript NM_000273.3 (MANE Select); coding-DNA position 321, C replaced by A.
Protein change: p.His107Gln; replaces histidine 107 with glutamine.
Molecular consequence: missense variant.
Genome position (GRCh38, 1-based): chrX:9,760,756, G>T on the plus strand (C>A on the coding strand, the complement: GPR143 is on the minus strand). VCF-style: chrX-9760756-G-T. GRCh37 (hg19) VCF-style: chrX-9728796-G-T.
Other names: short protein forms H107Q.
Identifiers: ClinVar variation 3257499 (VCV003257499.17).

ClinVar aggregate classification (germline): Uncertain significance (1 of 4 stars; one submission).

Submission:

CeGaT Center for Human Genetics Tuebingen
Classification: Uncertain significance. Last evaluated: 2024-07-01. Review status: criteria provided, single submitter. Criteria: CeGaT Center For Human Genetics Tuebingen Variant Classification Criteria Version 2. Collection method: clinical testing. Allele origin: germline. Affected: yes. Observed: 1 variant allele.
Comment: GPR143: PM2